The following is an entry in ClinVar:

ClinVar aggregate classification (germline): Uncertain significance (1 of 4 stars; one submission).

Conditions:
X-linked immunodeficiency with magnesium defect, Epstein-Barr virus infection and neoplasia. Identifiers: Orphanet 317476, MedGen C3275445, MONDO:0010455, OMIM 300853.

Submission:

Labcorp Genetics (formerly Invitae), Labcorp
Classification: Uncertain significance for X-linked immunodeficiency with magnesium defect, Epstein-Barr virus infection and neoplasia. Last evaluated: 2024-10-22. Review status: criteria provided, single submitter. Criteria: Invitae Variant Classification Sherloc (09022015). Collection method: clinical testing. Allele origin: germline.
Comment: This sequence change replaces cysteine, which is neutral and slightly polar, with phenylalanine, which is neutral and non-polar, at codon 335 of the MAGT1 protein (p.Cys335Phe). This variant is not present in population databases (gnomAD no frequency). This variant has not been reported in the literature in individuals affected with MAGT1-related conditions. Invitae Evidence Modeling of protein sequence and biophysical properties (such as structural, functional, and spatial information, amino acid conservation, physicochemical variation, residue mobility, and thermodynamic stability) indicates that this missense variant is not expected to disrupt MAGT1 protein function with a negative predictive value of 80%. In summary, the available evidence is currently insufficient to determine the role of this variant in disease. Therefore, it has been classified as a Variant of Uncertain Significance.

NM_001367916.1(MAGT1):c.908G>T (p.Cys303Phe)

Gene: MAGT1 (magnesium transporter 1; minus strand). Cytogenetic location: Xq21.1.
Variant type: single nucleotide variant.
Coding change: c.908G>T on transcript NM_001367916.1 (MANE Select); coding-DNA position 908, G replaced by T.
Protein change: p.Cys303Phe; replaces cysteine 303 with phenylalanine.
Molecular consequence: missense variant.
Genome position (GRCh38, 1-based): chrX:77,830,889, C>A on the plus strand (G>T on the coding strand, the complement: MAGT1 is on the minus strand). VCF-style: chrX-77830889-C-A. GRCh37 (hg19) VCF-style: chrX-77086386-C-A.
Other names: c.1004G>T, p.Cys335Phe (NM_032121.5); short protein forms C303F, C335F.
Identifiers: ClinVar variation 3667479 (VCV003667479.2).